The following is an entry in ClinVar:

NM_018136.5(ASPM):c.1697C>T (p.Ser566Leu)

Gene: ASPM (assembly factor for spindle microtubules; minus strand). Cytogenetic location: 1q31.3.
Variant type: single nucleotide variant.
Coding change: c.1697C>T on transcript NM_018136.5 (MANE Select); coding-DNA position 1697, C replaced by T.
Protein change: p.Ser566Leu; replaces serine 566 with leucine.
Molecular consequence: missense variant.
Genome position (GRCh38, 1-based): chr1:197,142,555, G>A on the plus strand (C>T on the coding strand, the complement: ASPM is on the minus strand). VCF-style: chr1-197142555-G-A. GRCh37 (hg19) VCF-style: chr1-197111685-G-A.
Other names: c.1697C>T, p.Ser566Leu (NM_001206846.2); short protein forms S566L.
Identifiers: ClinVar variation 1033471 (VCV001033471.11), dbSNP rs555866170, ClinGen allele CA1310666.

ClinVar aggregate classification (germline): Conflicting classifications of pathogenicity. Review status: criteria provided, conflicting classifications (1 of 4 stars). 6 submissions from 6 submitters: Uncertain significance (5); Likely benign (1). Last evaluated 2024-08-26.

Conditions:
Microcephaly 5, primary, autosomal recessive (MCPH5). Also called: ASPM Primary Microcephaly. Identifiers: Orphanet 2512, MedGen C1837501, MONDO:0012106, OMIM 608716.
Inborn genetic diseases. Identifiers: MedGen C0950123, MeSH D030342.

Allele frequency attached by ClinVar (database versions not stated): gnomAD 0.00001; TOPMed 0.00002.
gnomAD v4.1: 31 of 1,613,782 alleles (0.0019%); highest among the groups gnomAD compares: East Asian, 0.016%; no homozygotes.

Submissions (6):

Labcorp Genetics (formerly Invitae), Labcorp
Classification: Uncertain significance. Last evaluated: 2024-08-26. Review status: criteria provided, single submitter. Criteria: Invitae Variant Classification Sherloc (09022015). Collection method: clinical testing. Allele origin: germline.
Comment: This sequence change replaces serine, which is neutral and polar, with leucine, which is neutral and non-polar, at codon 566 of the ASPM protein (p.Ser566Leu). This variant is present in population databases (rs555866170, gnomAD 0.03%). This variant has not been reported in the literature in individuals affected with ASPM-related conditions. ClinVar contains an entry for this variant (Variation ID: 1033471). Invitae Evidence Modeling of protein sequence and biophysical properties (such as structural, functional, and spatial information, amino acid conservation, physicochemical variation, residue mobility, and thermodynamic stability) indicates that this missense variant is not expected to disrupt ASPM protein function with a negative predictive value of 80%. In summary, the available evidence is currently insufficient to determine the role of this variant in disease. Therefore, it has been classified as a Variant of Uncertain Significance.

Ambry Genetics
Classification: Likely benign for Inborn genetic diseases. Last evaluated: 2024-07-14. Review status: criteria provided, single submitter. Criteria: Ambry Variant Classification Scheme 2023. Collection method: clinical testing. Allele origin: germline.

Genome-Nilou Lab
Classification: Uncertain significance for Microcephaly 5, primary, autosomal recessive. Last evaluated: 2023-04-11. Review status: criteria provided, single submitter. Criteria: ACMG Guidelines, 2015. Collection method: clinical testing. Allele origin: germline. Affected: no.

GeneDx
Classification: Uncertain significance. Last evaluated: 2022-08-16. Review status: criteria provided, single submitter. Criteria: GeneDx Variant Classification Process June 2021. Collection method: clinical testing. Allele origin: germline. Affected: yes.
Comment: In silico analysis supports that this missense variant does not alter protein structure/function; Has not been previously published as pathogenic or benign to our knowledge

Fulgent Genetics
Classification: Uncertain significance for Microcephaly 5, primary, autosomal recessive. Last evaluated: 2022-02-15. Review status: criteria provided, single submitter. Criteria: ACMG Guidelines, 2015. Collection method: clinical testing. Allele origin: unknown.

Baylor Genetics
Classification: Uncertain significance for Microcephaly 5, primary, autosomal recessive. Last evaluated: 2018-04-27. Review status: criteria provided, single submitter. Criteria: ACMG Guidelines, 2015. Collection method: clinical testing. Allele origin: maternal. Affected: yes.
Comment: This variant was determined to be of uncertain significance according to ACMG Guidelines, 2015 [PMID:25741868].